The following is an entry in ClinVar:

ClinVar aggregate classification (germline): Uncertain significance (1 of 4 stars; one submission).

Conditions:
Intellectual developmental disorder, autosomal dominant 77. Identifiers: MedGen C6065930, MONDO:0980748, OMIM 621415.

gnomAD v4.1: 6 of 1,586,806 alleles (0.00038%); highest among the groups gnomAD compares: Non-Finnish European, 0.00052%; no homozygotes.

Submission:

Clinical Genomics Laboratory, Washington University in St. Louis
Classification: Uncertain significance for Intellectual developmental disorder, autosomal dominant 77. Last evaluated: 2026-05-02. Review status: criteria provided, single submitter. Criteria: ACMG Guidelines, 2015. Collection method: clinical testing. Allele origin: germline.
Comment: The LRRC7 c.1063A>G (p.Thr355Ala) variant, to our knowledge, has not been reported in the medical literature. This variant is absent from the general population (gnomAD v2.1.1), indicating it is not a common variant. Computational predictors suggest that the variant does not impact LRRC7 function. Due to limited information, and based on ACMG/AMP guidelines for variant interpretation (Richards S et al., PMID: 25741868), the clinical significance of this variant is uncertain at this time.

NM_001370785.2(LRRC7):c.1063A>G (p.Thr355Ala)

Gene: LRRC7 (leucine rich repeat containing 7; plus strand). Cytogenetic location: 1p31.1.
Variant type: single nucleotide variant.
Coding change: c.1063A>G on transcript NM_001370785.2 (MANE Select); coding-DNA position 1063, A replaced by G.
Protein change: p.Thr355Ala; replaces threonine 355 with alanine.
Molecular consequence: missense variant.
Genome position (GRCh38, 1-based): chr1:70,011,855, A>G. VCF-style: chr1-70011855-A-G. GRCh37 (hg19) VCF-style: chr1-70477538-A-G.
Other names: c.964A>G, p.Thr322Ala (NM_001330635.3, NM_001366839.3, NM_001366841.1); c.1066A>G, p.Thr356Ala (NM_001350216.3); c.1063A>G, p.Thr355Ala (NM_001366838.3); short protein forms T322A, T355A, T356A.
Identifiers: ClinVar variation 4879288 (VCV004879288.1).